The following is an entry in ClinVar:

NM_001244008.2(KIF1A):c.1037+1G>C

Gene: KIF1A (kinesin family member 1A; minus strand). Cytogenetic location: 2q37.3.
Variant type: single nucleotide variant.
Coding change: c.1037+1G>C on transcript NM_001244008.2 (MANE Select); the canonical splice donor site of the intron after coding-DNA position 1037, G replaced by C.
Molecular consequence: splice donor variant.
Genome position (GRCh38, 1-based): chr2:240,774,182, C>G on the plus strand (G>C on the coding strand, the complement: KIF1A is on the minus strand). VCF-style: chr2-240774182-C-G. GRCh37 (hg19) VCF-style: chr2-241713599-C-G.
Other names: c.1037+1G>C (NM_001379653.1, NM_001379650.1, NM_001379645.1 and 20 more transcripts).
Identifiers: ClinVar variation 1467822 (VCV001467822.8), dbSNP rs2125976529, ClinGen allele CA351296585.
Genomic context (GRCh38, chr2:240,774,182, plus strand): 5'-GAGGATCCATCCCCCAAGACCAGGGAGCGGGAAGCAGAGCTTGTCTCCCTGGAGAACTCA[C>G]CTCAGCGTGCTAAGGGTCTCATCGTAGTTGATGTCTGCAGGACTCAAGGCTGCCACCATA-3'

ClinVar aggregate classification (germline): Likely pathogenic (1 of 4 stars; one submission).

Conditions:
Hereditary spastic paraplegia 30. Identifiers: Orphanet 101010, MedGen C5235139, MONDO:0012476.
Neuropathy, hereditary sensory, type 2C. Also called: KIF1A-Related HSAN2 (HSAN2C); Hereditary sensory and autonomic neuropathy type IIC. Identifiers: Orphanet 970, MedGen C3280168, MONDO:0013634, OMIM 614213.
Intellectual disability, autosomal dominant 9 (NESCAVS). Also called: KIF1A-Related Neurodevelopmental Disorder; NESCAV SYNDROME. Identifiers: Orphanet 662367, MedGen C5393830, MONDO:0013656, OMIM 614255.

Submission:

Labcorp Genetics (formerly Invitae), Labcorp
Classification: Likely pathogenic for Hereditary spastic paraplegia 30; Neuropathy, hereditary sensory, type 2C; Intellectual disability, autosomal dominant 9. Last evaluated: 2024-03-07. Review status: criteria provided, single submitter. Criteria: Invitae Variant Classification Sherloc (09022015). Collection method: clinical testing. Allele origin: germline.
Comment: This sequence change affects a donor splice site in intron 11 of the KIF1A gene. It is expected to disrupt RNA splicing. Variants that disrupt the donor or acceptor splice site typically lead to a loss of protein function (PMID: 16199547), and loss-of-function variants in KIF1A are known to be pathogenic (PMID: 21820098). This variant is not present in population databases (gnomAD no frequency). This variant has not been reported in the literature in individuals affected with KIF1A-related conditions. ClinVar contains an entry for this variant (Variation ID: 1467822). Algorithms developed to predict the effect of sequence changes on RNA splicing suggest that this variant may disrupt the consensus splice site. In summary, the currently available evidence indicates that the variant is pathogenic, but additional data are needed to prove that conclusively. Therefore, this variant has been classified as Likely Pathogenic.

Literature cited by the submitters: PubMed 16199547; PubMed 21820098.